The following is an entry in ClinVar:

ClinVar aggregate classification (germline): Uncertain significance (1 of 4 stars; one submission).

gnomAD v4.1: 1 of 1,614,056 alleles (0.000062%); highest among the groups gnomAD compares: Non-Finnish European, 0.000085%; no homozygotes.

Submission:

Labcorp Genetics (formerly Invitae), Labcorp
Classification: Uncertain significance. Last evaluated: 2024-09-30. Review status: criteria provided, single submitter. Criteria: Invitae Variant Classification Sherloc (09022015). Collection method: clinical testing. Allele origin: germline.
Comment: This sequence change replaces proline, which is neutral and non-polar, with leucine, which is neutral and non-polar, at codon 27 of the BNC2 protein (p.Pro27Leu). This variant is not present in population databases (gnomAD no frequency). This variant has not been reported in the literature in individuals affected with BNC2-related conditions. Experimental studies and prediction algorithms are not available or were not evaluated, and the functional significance of this variant is currently unknown. In summary, the available evidence is currently insufficient to determine the role of this variant in disease. Therefore, it has been classified as a Variant of Uncertain Significance.

NM_017637.6(BNC2):c.80C>T (p.Pro27Leu)

Gene: BNC2 (basonuclin zinc finger protein 2; minus strand). Cytogenetic location: 9p22.2.
Variant type: single nucleotide variant.
Coding change: c.80C>T on transcript NM_017637.6 (MANE Select); coding-DNA position 80, C replaced by T.
Protein change: p.Pro27Leu; replaces proline 27 with leucine.
Molecular consequence: missense variant. On other transcripts: intron variant (2).
Genome position (GRCh38, 1-based): chr9:16,738,409, G>A on the plus strand (C>T on the coding strand, the complement: BNC2 is on the minus strand). VCF-style: chr9-16738409-G-A. GRCh37 (hg19) VCF-style: chr9-16738407-G-A.
Other names: c.4-10412C>T (NM_001317939.2); c.45+93835C>T (NM_001317940.2); short protein forms P27L.
Identifiers: ClinVar variation 3683934 (VCV003683934.2).
Genomic context (GRCh38, chr9:16,738,409, plus strand): 5'-AACCAACATACCTCAATTTGAGATGTATCAACCCCACAACATGGGACCTTGAAATATGCT[G>A]GCCAGTCTTGCTCACTAAGCCTGTCCTCTGATTTGTAATTAAGGCTATGTGGAGGTGGGG-3'
Protein context (NP_060107.3, residues 17-37): SEDRLSEQDW[Pro27Leu]AYFKVPCCGV